The following is an entry in ClinVar:

NM_004370.6(COL12A1):c.4693C>A (p.Pro1565Thr)

Gene: COL12A1 (collagen type XII alpha 1 chain; minus strand). Cytogenetic location: 6q13.
Variant type: single nucleotide variant.
Coding change: c.4693C>A on transcript NM_004370.6 (MANE Select); coding-DNA position 4693, C replaced by A.
Protein change: p.Pro1565Thr; replaces proline 1565 with threonine.
Molecular consequence: missense variant.
Genome position (GRCh38, 1-based): chr6:75,143,386, G>T on the plus strand (C>A on the coding strand, the complement: COL12A1 is on the minus strand). VCF-style: chr6-75143386-G-T. GRCh37 (hg19) VCF-style: chr6-75853102-G-T.
Other names: c.4693C>A, p.Pro1565Thr (NM_001424113.1, NM_001424114.1); c.4420C>A, p.Pro1474Thr (NM_001424115.1); c.1201C>A, p.Pro401Thr (NM_001424116.1, NM_080645.3); short protein forms P401T, P1565T, P1474T.
Identifiers: ClinVar variation 4786312 (VCV004786312.1).
Genomic context (GRCh38, chr6:75,143,386, plus strand): 5'-AGACATTCATAGTGCTGTGAGTCACATCTCTGAGTTTCAGATCCTGAGGTCTGGGTAAAG[G>T]CACTAGAGAAGCACGAGATATTAAATCCAGATGTGCTTCTCAACCACAAAGCTCCAAAGC-3'
Protein context (NP_004361.3, residues 1555-1575): EPVTVREVTL[Pro1565Thr]LPRPQDLKLR

ClinVar aggregate classification (germline): Uncertain significance (1 of 4 stars; one submission).

Conditions:
Ullrich congenital muscular dystrophy 2 (UCMD2). Identifiers: Orphanet 75840, MedGen C4225314, MONDO:0014654, OMIM 616470.
Bethlem myopathy 2 (BTHLM2). Identifiers: Orphanet 536516, Orphanet 610, MedGen C4225313, MONDO:0034022, OMIM 616471.

Submission:

Labcorp Genetics (formerly Invitae), Labcorp
Classification: Uncertain significance for Bethlem myopathy 2; Ullrich congenital muscular dystrophy 2. Last evaluated: 2025-10-03. Review status: criteria provided, single submitter. Criteria: Invitae Variant Classification Sherloc (09022015). Collection method: clinical testing. Allele origin: germline.
Comment: This sequence change replaces proline, which is neutral and non-polar, with threonine, which is neutral and polar, at codon 1565 of the COL12A1 protein (p.Pro1565Thr). This variant is not present in population databases (gnomAD no frequency). This variant has not been reported in the literature in individuals affected with COL12A1-related conditions. An algorithm developed to predict the effect of missense changes on protein structure and function (PolyPhen-2) suggests that this variant is likely to be disruptive. In summary, the available evidence is currently insufficient to determine the role of this variant in disease. Therefore, it has been classified as a Variant of Uncertain Significance.